The following is an entry in ClinVar:

NM_032043.3(BRIP1):c.1936-12T>G

Gene: BRIP1 (BRCA1 interacting DNA helicase 1; minus strand). Cytogenetic location: 17q23.2.
Variant type: single nucleotide variant.
Coding change: c.1936-12T>G on transcript NM_032043.3 (MANE Select); 12 bases into the intron before coding-DNA position 1936, T replaced by G.
Molecular consequence: intron variant.
Genome position (GRCh38, 1-based): chr17:61,776,574, A>C on the plus strand (T>G on the coding strand, the complement: BRIP1 is on the minus strand). VCF-style: chr17-61776574-A-C. GRCh37 (hg19) VCF-style: chr17-59853935-A-C.
Identifiers: ClinVar variation 2947641 (VCV002947641.3), dbSNP rs2544999953, ClinGen allele CA2740093857.
Genomic context (GRCh38, chr17:61,776,574, plus strand): 5'-CACAGAGATTCCGACCCTTGGGGCCTGACCCAATGGTACCAACCCAAACCTAGAATATGA[A>C]TATGTCATTATTAGAGTTATGCCTGAAAAAGGCATGGAAATTAGTATTTATTTGGAAGTA-3'

ClinVar aggregate classification (germline): Uncertain significance (1 of 4 stars; one submission).

Conditions:
Fanconi anemia complementation group J. Also called: BRIP1-Related Fanconi Anemia. Identifiers: Orphanet 84, MedGen C1836860, MONDO:0012187, OMIM 609054.
Familial cancer of breast. Also called: BREAST CANCER, FAMILIAL; Hereditary breast cancer; hereditary breast carcinoma. Identifiers: Orphanet 227535, MedGen C0346153, MONDO:0016419, OMIM 114480. Disease mechanism: loss of function.

Submission:

Labcorp Genetics (formerly Invitae), Labcorp
Classification: Uncertain significance for Familial cancer of breast; Fanconi anemia complementation group J. Last evaluated: 2025-09-14. Review status: criteria provided, single submitter. Criteria: Invitae Variant Classification Sherloc (09022015). Collection method: clinical testing. Allele origin: germline.
Comment: This sequence change falls in intron 13 of the BRIP1 gene. It does not directly change the encoded amino acid sequence of the BRIP1 protein. This variant is not present in population databases (gnomAD no frequency). This variant has not been reported in the literature in individuals affected with BRIP1-related conditions. ClinVar contains an entry for this variant (Variation ID: 2947641). Studies have shown that this variant is associated with inconclusive levels of altered splicing (internal data). In summary, the available evidence is currently insufficient to determine the role of this variant in disease. Therefore, it has been classified as a Variant of Uncertain Significance.